The following is an entry in ClinVar:

NM_018051.5(DYNC2I1):c.625G>C (p.Glu209Gln)

Gene: DYNC2I1 (dynein 2 intermediate chain 1; plus strand). Cytogenetic location: 7q36.3.
Variant type: single nucleotide variant.
Coding change: c.625G>C on transcript NM_018051.5 (MANE Select); coding-DNA position 625, G replaced by C.
Protein change: p.Glu209Gln; replaces glutamic acid 209 with glutamine.
Molecular consequence: missense variant. On other transcripts: 5 prime UTR variant (3).
Genome position (GRCh38, 1-based): chr7:158,879,735, G>C. VCF-style: chr7-158879735-G-C. GRCh37 (hg19) VCF-style: chr7-158672426-G-C.
Other names: c.487G>C, p.Glu163Gln (NM_001350914.2); c.108G>C, p.Lys36Asn (NM_001350915.2); c.-734G>C (NM_001350916.2); c.-742G>C (NM_001350917.2); c.-861G>C (NM_001350918.2); c.625G>C (NM_018051.4); short protein forms E163Q, E209Q, K36N.
Identifiers: ClinVar variation 2043137 (VCV002043137.3), dbSNP rs765728280, ClinGen allele CA4594360.

ClinVar aggregate classification (germline): Uncertain significance. Review status: criteria provided, multiple submitters, no conflicts (2 of 4 stars). 2 submissions from 2 submitters: Uncertain significance (2). Last evaluated 2025-01-19.

Conditions:
Short-rib thoracic dysplasia 8 with or without polydactyly (SRTD8). Also called: SHORT-RIB THORACIC DYSPLASIA 8 WITH POLYDACTYLY. Identifiers: Orphanet 93271, MedGen C3809691, MONDO:0014214, OMIM 615503.
Inborn genetic diseases. Identifiers: MedGen C0950123, MeSH D030342.

Allele frequency attached by ClinVar (database versions not stated): gnomAD 0.00010; gnomAD exomes 0.00012; ExAC 0.00013.
gnomAD v4.1: 188 of 1,600,622 alleles (0.012%); highest among the groups gnomAD compares: Middle Eastern, 0.084%; no homozygotes.

Submissions (2):

Ambry Genetics
Classification: Uncertain significance for Inborn genetic diseases. Last evaluated: 2025-01-19. Review status: criteria provided, single submitter. Criteria: Ambry Variant Classification Scheme 2023. Collection method: clinical testing. Allele origin: germline.

Labcorp Genetics (formerly Invitae), Labcorp
Classification: Uncertain significance for Short-rib thoracic dysplasia 8 with or without polydactyly. Last evaluated: 2025-01-13. Review status: criteria provided, single submitter. Criteria: Invitae Variant Classification Sherloc (09022015). Collection method: clinical testing. Allele origin: germline.
Comment: This sequence change replaces glutamic acid, which is acidic and polar, with glutamine, which is neutral and polar, at codon 209 of the WDR60 protein (p.Glu209Gln). This variant is present in population databases (rs765728280, gnomAD 0.04%). This variant has not been reported in the literature in individuals affected with WDR60-related conditions. ClinVar contains an entry for this variant (Variation ID: 2043137). An algorithm developed to predict the effect of missense changes on protein structure and function (PolyPhen-2) suggests that this variant¬†is likely to be tolerated. In summary, the available evidence is currently insufficient to determine the role of this variant in disease. Therefore, it has been classified as a Variant of Uncertain Significance.